The following is an entry in ClinVar:

NM_003000.3(SDHB):c.540+9T>G

Gene: SDHB (succinate dehydrogenase complex iron sulfur subunit B; minus strand). Cytogenetic location: 1p36.13.
Variant type: single nucleotide variant.
Coding change: c.540+9T>G on transcript NM_003000.3 (MANE Select); 9 bases into the intron after coding-DNA position 540, T replaced by G.
Molecular consequence: intron variant.
Genome position (GRCh38, 1-based): chr1:17,027,740, A>C on the plus strand (T>G on the coding strand, the complement: SDHB is on the minus strand). VCF-style: chr1-17027740-A-C. GRCh37 (hg19) VCF-style: chr1-17354235-A-C.
Other names: c.486+9T>G (NM_001407361.1).
Identifiers: ClinVar variation 3904398 (VCV003904398.1).

ClinVar aggregate classification (germline): Likely benign (1 of 4 stars; one submission).

Conditions:
Pheochromocytoma/paraganglioma syndrome 4. Also called: CAROTID BODY TUMORS AND MULTIPLE EXTRAADRENAL PHEOCHROMOCYTOMAS; PARAGANGLIOMA, FAMILIAL MALIGNANT; PARAGANGLIOMAS, HEREDITARY EXTRAADRENAL; PHEOCHROMOCYTOMA, FAMILIAL EXTRAADRENAL; Paragangliomas 4; SDHB-Related Hereditary Paraganglioma-Pheochromocytoma Syndrome (Paragangliomas 4). Identifiers: Orphanet 29072, MedGen C1861848, MONDO:0007273, OMIM 115310.

Submission:

Myriad Genetics, Inc.
Classification: Likely benign for Pheochromocytoma/paraganglioma syndrome 4. Last evaluated: 2025-03-13. Review status: criteria provided, single submitter. Criteria: Myriad Autosomal Dominant, Autosomal Recessive and X-Linked Classification Criteria (2023). Collection method: clinical testing. Allele origin: unknown.
Comment: This variant is considered likely benign. This variant is intronic and is not expected to impact mRNA splicing.